The following is an entry in ClinVar:

NM_001395656.1(ROBO2):c.1682T>C (p.Ile561Thr)

Gene: ROBO2 (roundabout guidance receptor 2; plus strand). Cytogenetic location: 3p12.3.
Variant type: single nucleotide variant.
Coding change: c.1682T>C on transcript NM_001395656.1 (MANE Select); coding-DNA position 1682, T replaced by C.
Protein change: p.Ile561Thr; replaces isoleucine 561 with threonine.
Molecular consequence: missense variant. On other transcripts: 5 prime UTR variant (1).
Genome position (GRCh38, 1-based): chr3:77,563,317, T>C. VCF-style: chr3-77563317-T-C. GRCh37 (hg19) VCF-style: chr3-77612468-T-C.
Other names: c.1718T>C, p.Ile573Thr (NM_001128929.3); c.1682T>C, p.Ile561Thr (NM_001290039.2, NM_001290040.2, NM_001378202.1); c.-249T>C (NM_001290065.2); c.1730T>C, p.Ile577Thr (NM_001378190.1, NM_001378191.1, NM_001378195.1 and 4 more transcripts); c.1751T>C, p.Ile584Thr (NM_001378192.1, NM_001378194.1, NM_001378198.1 and 2 more transcripts); c.1670T>C, p.Ile557Thr (NM_001378193.1, NM_001378197.1, NM_002942.5); c.1739T>C, p.Ile580Thr (NM_001394212.1, NM_001394214.1, NM_001395657.1); short protein forms I557T, I561T, I573T, I577T, I580T, I584T.
Identifiers: ClinVar variation 1310090 (VCV001310090.3), dbSNP rs2153662593, ClinGen allele CA353521104.

ClinVar aggregate classification (germline): Uncertain significance (1 of 4 stars; one submission).

Submission:

GeneDx
Classification: Uncertain significance. Last evaluated: 2019-08-30. Review status: criteria provided, single submitter. Criteria: GeneDx Variant Classification Process June 2021. Collection method: clinical testing. Allele origin: germline. Affected: yes.
Comment: Not observed in large population cohorts (Lek et al., 2016); In silico analysis, which includes protein predictors and evolutionary conservation, supports a deleterious effect; Has not been previously published as pathogenic or benign to our knowledge